The following is an entry in ClinVar:

ClinVar aggregate classification (germline): Likely benign. Review status: criteria provided, multiple submitters, no conflicts (2 of 4 stars). 3 submissions from 3 submitters: Likely benign (3). Last evaluated 2025-10-23.

Conditions:
Baraitser-winter syndrome 2. Identifiers: Orphanet 2995, MedGen C3281235, MONDO:0013812, OMIM 614583.
Autosomal dominant nonsyndromic hearing loss 20. Identifiers: Orphanet 90635, MedGen C1858172, MONDO:0011480, OMIM 604717.

Allele frequency attached by ClinVar (database versions not stated): gnomAD 0.00003 and 0.00004; ExAC 0.00004; gnomAD exomes 0.00004; TOPMed 0.00005; ESP Exome Variant Server 0.00015.

Submissions (3):

Labcorp Genetics (formerly Invitae), Labcorp
Classification: Likely benign for Baraitser-winter syndrome 2; Autosomal dominant nonsyndromic hearing loss 20. Last evaluated: 2025-10-23. Review status: criteria provided, single submitter. Criteria: Invitae Variant Classification Sherloc (09022015). Collection method: clinical testing. Allele origin: germline.

Blueprint Genetics
Classification: Likely benign. Last evaluated: 2022-12-30. Review status: criteria provided, single submitter. Criteria: ACMG Guidelines, 2015. Collection method: clinical testing. Allele origin: germline.

Laboratory for Molecular Medicine, Mass General Brigham Personalized Medicine
Classification: Likely benign. Last evaluated: 2012-04-30. Review status: criteria provided, single submitter. Criteria: LMM Criteria. Collection method: clinical testing. Allele origin: germline. Observed: 1 variant allele.
Comment: Ile85Ile in Exon 03 of ACTG1: This variant is not expected to have clinical sign ificance because it does not alter an amino acid residue, is not located within the splice consensus sequence, and has been identified in 1/8600 European Americ an chromosomes and 1/4406 African American from a broad population by the NHLBI Exome Sequencing Project (dbSNP rs147001458).

NM_001614.5(ACTG1):c.255C>T (p.Ile85=)

Gene: ACTG1 (actin gamma 1; minus strand). Cytogenetic location: 17q25.3.
Variant type: single nucleotide variant.
Coding change: c.255C>T on transcript NM_001614.5 (MANE Select); coding-DNA position 255, C replaced by T.
Protein change: p.Ile85=; no amino-acid change (isoleucine 85 retained).
Molecular consequence: synonymous variant. On other transcripts: non-coding transcript variant (1).
Genome position (GRCh38, 1-based): chr17:81,512,011, G>A on the plus strand (C>T on the coding strand, the complement: ACTG1 is on the minus strand). VCF-style: chr17-81512011-G-A. GRCh37 (hg19) VCF-style: chr17-79479037-G-A.
Other names: c.255C>T, p.Ile85= (NM_001199954.3).
Identifiers: ClinVar variation 162721 (VCV000162721.9), dbSNP rs147001458, ClinGen allele CA175220.